The following is an entry in ClinVar:

ClinVar aggregate classification (germline): Likely pathogenic. Review status: criteria provided, multiple submitters, no conflicts (2 of 4 stars). 2 submissions from 2 submitters: Likely pathogenic (2). Last evaluated 2024-07-25.

Conditions:
Buratti-Harel syndrome. Identifiers: MedGen C5543351, MONDO:0859144, OMIM 619314.

Submissions (2):

Institute of Human Genetics, University of Leipzig Medical Center
Classification: Likely pathogenic for Buratti-Harel syndrome. Last evaluated: 2024-07-25. Review status: criteria provided, single submitter. Criteria: ACMG Guidelines, 2015. Collection method: clinical testing. Allele origin: de novo. Inheritance: Autosomal dominant inheritance. Affected: yes.
Comment: Criteria applied: PVS1_STR,PS2_MOD,PM2

Hadassah Hebrew University Medical Center
Classification: Likely pathogenic. Review status: criteria provided, single submitter. Criteria: ACMG Guidelines, 2015. Collection method: clinical testing. Allele origin: germline. Inheritance: Autosomal dominant inheritance. Affected: yes.

NM_003031.4(SIAH1):c.15_16insA (p.Ala6fs)

Genes: LONP2 (lon peptidase 2, peroxisomal; plus strand), SIAH1 (siah E3 ubiquitin protein ligase 1; minus strand). Cytogenetic location: 16q12.1.
Variant type: Insertion.
Coding change: c.15_16insA on transcript NM_003031.4 (MANE Select); coding-DNA positions 15 to 16, A inserted.
Protein change: p.Ala6fs; shifts the reading frame from alanine 6.
Molecular consequence: frameshift variant. On other transcripts: 3 prime UTR variant (1).
Genome position: GRCh38 VCF-style: chr16-48362413-C-CT. GRCh37 (hg19) VCF-style: chr16-48396324-C-CT.
Other names: c.108_109insA, p.Ala37fs (NM_001006610.2); c.*817_*818insT (NM_001348078.2); short protein forms A37fs, A6fs.
Identifiers: ClinVar variation 3359032 (VCV003359032.2).